The following is an entry in ClinVar:

ClinVar aggregate classification (germline): Uncertain significance (1 of 4 stars; one submission).

gnomAD v4.1: 1 of 1,614,176 alleles (0.000062%); highest among the groups gnomAD compares: Non-Finnish European, 0.000085%; no homozygotes.

Submission:

Labcorp Genetics (formerly Invitae), Labcorp
Classification: Uncertain significance. Last evaluated: 2024-11-11. Review status: criteria provided, single submitter. Criteria: Invitae Variant Classification Sherloc (09022015). Collection method: clinical testing. Allele origin: germline.
Comment: This sequence change falls in intron 14 of the COL4A2 gene. It does not directly change the encoded amino acid sequence of the COL4A2 protein. This variant is not present in population databases (gnomAD no frequency). This variant has not been reported in the literature in individuals affected with COL4A2-related conditions. ClinVar contains an entry for this variant (Variation ID: 2100176). Algorithms developed to predict the effect of sequence changes on RNA splicing suggest that this variant may disrupt the consensus splice site. In summary, the available evidence is currently insufficient to determine the role of this variant in disease. Therefore, it has been classified as a Variant of Uncertain Significance.

NM_001846.4(COL4A2):c.862-15T>A

Gene: COL4A2 (collagen type IV alpha 2 chain; plus strand). Cytogenetic location: 13q34.
Variant type: single nucleotide variant.
Coding change: c.862-15T>A on transcript NM_001846.4 (MANE Select); 15 bases into the intron before coding-DNA position 862, T replaced by A.
Molecular consequence: intron variant.
Genome position (GRCh38, 1-based): chr13:110,438,603, T>A. VCF-style: chr13-110438603-T-A. GRCh37 (hg19) VCF-style: chr13-111090950-T-A.
Identifiers: ClinVar variation 2100176 (VCV002100176.4), dbSNP rs2502074546, ClinGen allele CA2580087151.